The following is an entry in ClinVar:

ClinVar aggregate classification (germline): Uncertain significance (1 of 4 stars; one submission).

Submission:

GeneDx
Classification: Uncertain significance. Last evaluated: 2023-09-19. Review status: criteria provided, single submitter. Criteria: GeneDx Variant Classification Process June 2021. Collection method: clinical testing. Allele origin: germline. Affected: yes.
Comment: Not observed at significant frequency in large population cohorts (gnomAD); In silico analysis supports that this missense variant has a deleterious effect on protein structure/function; Identified in unrelated patients with polycystic kidney disease referred for genetic testing at GeneDx and in published literature (PMID: 27499327); This variant is associated with the following publications: (PMID: 27499327)

NM_000297.4(PKD2):c.1171T>G (p.Tyr391Asp)

Gene: PKD2 (polycystin 2, transient receptor potential cation channel; plus strand). Cytogenetic location: 4q22.1.
Variant type: single nucleotide variant.
Coding change: c.1171T>G on transcript NM_000297.4 (MANE Select); coding-DNA position 1171, T replaced by G.
Protein change: p.Tyr391Asp; replaces tyrosine 391 with aspartic acid.
Molecular consequence: missense variant. On other transcripts: non-coding transcript variant (1).
Genome position (GRCh38, 1-based): chr4:88,043,309, T>G. VCF-style: chr4-88043309-T-G. GRCh37 (hg19) VCF-style: chr4-88964461-T-G.
Other names: short protein forms Y391D.
Identifiers: ClinVar variation 3340733 (VCV003340733.1).